The following is an entry in ClinVar:

NM_014797.3(ZBTB24):c.1421C>T (p.Ser474Phe)

Gene: ZBTB24 (zinc finger and BTB domain containing 24; minus strand). Cytogenetic location: 6q21.
Variant type: single nucleotide variant.
Coding change: c.1421C>T on transcript NM_014797.3 (MANE Select); coding-DNA position 1421, C replaced by T.
Protein change: p.Ser474Phe; replaces serine 474 with phenylalanine.
Molecular consequence: missense variant.
Genome position (GRCh38, 1-based): chr6:109,466,524, G>A on the plus strand (C>T on the coding strand, the complement: ZBTB24 is on the minus strand). VCF-style: chr6-109466524-G-A. GRCh37 (hg19) VCF-style: chr6-109787727-G-A.
Other names: short protein forms S474F.
Identifiers: ClinVar variation 2071786 (VCV002071786.1), dbSNP rs2482852699, ClinGen allele CA365196901.

ClinVar aggregate classification (germline): Uncertain significance (1 of 4 stars; one submission).

Conditions:
Immunodeficiency-centromeric instability-facial anomalies syndrome 2 (ICF2). Identifiers: Orphanet 2268, MedGen C3279748, MONDO:0013553, OMIM 614069.

Submission:

Labcorp Genetics (formerly Invitae), Labcorp
Classification: Uncertain significance for Immunodeficiency-centromeric instability-facial anomalies syndrome 2. Last evaluated: 2021-12-31. Review status: criteria provided, single submitter. Criteria: Invitae Variant Classification Sherloc (09022015). Collection method: clinical testing. Allele origin: germline.
Comment: This sequence change replaces serine, which is neutral and polar, with phenylalanine, which is neutral and non-polar, at codon 474 of the ZBTB24 protein (p.Ser474Phe). This variant is not present in population databases (gnomAD no frequency). This variant has not been reported in the literature in individuals affected with ZBTB24-related conditions. Algorithms developed to predict the effect of missense changes on protein structure and function are either unavailable or do not agree on the potential impact of this missense change (SIFT: "Not Available"; PolyPhen-2: "Probably Damaging"; Align-GVGD: "Not Available"). In summary, the available evidence is currently insufficient to determine the role of this variant in disease. Therefore, it has been classified as a Variant of Uncertain Significance.